The following is an entry in ClinVar:

NM_000135.4(FANCA):c.427-8_427-5del

Gene: FANCA (FA complementation group A; minus strand). Cytogenetic location: 16q24.3.
Variant type: Deletion.
Coding change: c.427-8_427-5del on transcript NM_000135.4 (MANE Select); 8 bases into the intron before coding-DNA position 427 through 5 bases into the intron before coding-DNA position 427, 4 bases deleted (CTTT; older notation c.427-8_427-5delCTTT).
Molecular consequence: intron variant.
Genome position (GRCh38, 1-based): chr16:89,810,807-89,810,810, AAAG deleted on the plus strand (CTTT on the coding strand, the reverse complement: FANCA is on the minus strand); deleting any 4 consecutive bases within chr16:89,810,807-89,810,811 gives the same sequence; the c. name uses the placement nearest the transcript's 3' end. VCF-style (leftmost placement, unchanged base first): chr16-89810806-AAAAG-A. GRCh37 (hg19) VCF-style: chr16-89877214-AAAAG-A.
Other names: c.427-8_427-5del (NM_001286167.3, NM_001018112.3); c.426+119_426+122del (NM_001351830.2).
Identifiers: ClinVar variation 974186 (VCV000974186.1), dbSNP rs2040847430, ClinGen allele CA1139664988.

ClinVar aggregate classification (germline): Pathogenic (0 of 4 stars; one submission).

Conditions:
Fanconi anemia complementation group A (FANCA). Also called: Fanconi anemia, group A; FANCA-Related Fanconi Anemia. Identifiers: Orphanet 84, MedGen C3469521, MONDO:0009215, OMIM 227650.

Submission:

Leiden Open Variation Database
Classification: Pathogenic for Fanconi anemia complementation group A. Last evaluated: 2020-02-28. Review status: no assertion criteria provided. Collection method: curation. Allele origin: germline. Affected: yes.
Comment: Curator: Arleen D. Auerbach. Submitter to LOVD: Johan de Winter.

Literature cited by the submitters: PubMed 22778927.